The following is an entry in ClinVar:

NM_012179.4(FBXO7):c.674C>T (p.Pro225Leu)

Gene: FBXO7 (F-box protein 7; plus strand). Cytogenetic location: 22q12.3.
Variant type: single nucleotide variant.
Coding change: c.674C>T on transcript NM_012179.4 (MANE Select); coding-DNA position 674, C replaced by T.
Protein change: p.Pro225Leu; replaces proline 225 with leucine.
Molecular consequence: missense variant.
Genome position (GRCh38, 1-based): chr22:32,485,096, C>T. VCF-style: chr22-32485096-C-T. GRCh37 (hg19) VCF-style: chr22-32881083-C-T.
Other names: c.437C>T, p.Pro146Leu (NM_001033024.2); c.332C>T, p.Pro111Leu (NM_001257990.2); short protein forms P111L, P146L, P225L.
Identifiers: ClinVar variation 1301697 (VCV001301697.7), dbSNP rs112660869, ClinGen allele CA10201494.
Genomic context (GRCh38, chr22:32,485,096, plus strand): 5'-ATTATTTGTTTCCCTTTCATTTCGTTCCCCAGGGCACCGAAGCCAAAGCACTGTCCATGC[C>T]GGAGAAGTGGAAGTTGAGCGGGGTGTATAAGCTGCAGTACATGCATCCTCTCTGCGAGGG-3'
Protein context (NP_036311.3, residues 215-235): QGTEAKALSM[Pro225Leu]EKWKLSGVYK

ClinVar aggregate classification (germline): Uncertain significance. Review status: criteria provided, multiple submitters, no conflicts (2 of 4 stars). 2 submissions from 2 submitters: Uncertain significance (2). Last evaluated 2024-11-24.

Conditions:
Parkinsonian-pyramidal syndrome. Also called: PARKINSON DISEASE 15, AUTOSOMAL RECESSIVE EARLY-ONSET; PALLIDOPYRAMIDAL SYNDROME; PARKINSON DISEASE 15, AUTOSOMAL RECESSIVE. Identifiers: Orphanet 171695, MedGen C1850100, MONDO:0009830, OMIM 260300.

gnomAD v4.1: 21 of 1,614,012 alleles (0.0013%); highest among the groups gnomAD compares: Middle Eastern, 0.049%; no homozygotes.

Submissions (2):

Labcorp Genetics (formerly Invitae), Labcorp
Classification: Uncertain significance for Parkinsonian-pyramidal syndrome. Last evaluated: 2024-11-24. Review status: criteria provided, single submitter. Criteria: Invitae Variant Classification Sherloc (09022015). Collection method: clinical testing. Allele origin: germline.
Comment: This sequence change replaces proline, which is neutral and non-polar, with leucine, which is neutral and non-polar, at codon 225 of the FBXO7 protein (p.Pro225Leu). This variant is present in population databases (rs112660869, gnomAD 0.003%). This missense change has been observed in individual(s) with FBXO7-related conditions (PMID: 36703223). ClinVar contains an entry for this variant (Variation ID: 1301697). Invitae Evidence Modeling of protein sequence and biophysical properties (such as structural, functional, and spatial information, amino acid conservation, physicochemical variation, residue mobility, and thermodynamic stability) has been performed for this missense variant. However, the output from this modeling did not meet the statistical confidence thresholds required to predict the impact of this variant on FBXO7 protein function. In summary, the available evidence is currently insufficient to determine the role of this variant in disease. Therefore, it has been classified as a Variant of Uncertain Significance.

Dubai Health Genomic Medicine Center, Dubai Health
Classification: Uncertain significance for Parkinsonian-pyramidal syndrome. Last evaluated: 2020-09-13. Review status: criteria provided, single submitter. Criteria: ACMG Guidelines, 2015. Collection method: clinical testing. Allele origin: germline. Affected: yes.
Comment: The p.Pro225Leu missense variant in FBXO7 has not been previously reported in affected individuals but was identified in 4/129160 (0.003% 0 homozygotes) European Non Finnish alleles in the Genome Aggregation Database (gnomAD). Computational prediction tools and conservation analysis suggest an impact to protein function however this information is not predictive enough to confirm pathogenicity. In summary more information is needed to determine the clinical significance of this variant.

Literature cited by the submitters: PubMed 36703223 (cited by Labcorp Genetics (formerly Invitae), Labcorp).